The following is an entry in ClinVar:

ClinVar aggregate classification (germline): Likely benign. Review status: criteria provided, multiple submitters, no conflicts (2 of 4 stars). 5 submissions from 5 submitters: Likely benign (5). Last evaluated 2026-01-15.

Conditions:
SOX10-related disorder. Also called: SOX10-related condition.

Allele frequency attached by ClinVar (database versions not stated): ExAC 0.00005; TOPMed 0.00006; gnomAD 0.00007 and 0.00009; gnomAD exomes 0.00005 and 0.00007; 1000 Genomes Project 0.00020; 1000 Genomes Project 30x 0.00031.
gnomAD v4.1: 87 of 1,613,746 alleles (0.0054%); highest among the groups gnomAD compares: Admixed American, 0.02%; no homozygotes.

Submissions (5):

PreventionGenetics, part of Exact Sciences
Classification: Likely benign for SOX10-related condition. Last evaluated: 2026-01-15. Review status: criteria provided, single submitter. Criteria: ACMG Guidelines, 2015. Collection method: clinical testing. Allele origin: germline.
Comment: This variant is classified as likely benign based on ACMG/AMP sequence variant interpretation guidelines (Richards et al. 2015 PMID: 25741868, with internal and published modifications).

CeGaT Center for Human Genetics Tuebingen
Classification: Likely benign. Last evaluated: 2025-12-01. Review status: criteria provided, single submitter. Criteria: CeGaT Center For Human Genetics Tuebingen Variant Classification Criteria Version 2. Collection method: clinical testing. Allele origin: germline. Affected: yes. Observed: 3 variant alleles.
Comment: SOX10: BP4, BP7

Labcorp Genetics (formerly Invitae), Labcorp
Classification: Likely benign. Last evaluated: 2023-10-07. Review status: criteria provided, single submitter. Criteria: Invitae Variant Classification Sherloc (09022015). Collection method: clinical testing. Allele origin: germline.

Blueprint Genetics
Classification: Likely benign. Last evaluated: 2022-11-07. Review status: criteria provided, single submitter. Criteria: ACMG Guidelines, 2015. Collection method: clinical testing. Allele origin: germline.

Laboratory for Molecular Medicine, Mass General Brigham Personalized Medicine
Classification: Likely benign. Last evaluated: 2017-08-23. Review status: criteria provided, single submitter. Criteria: LMM Criteria. Collection method: clinical testing. Allele origin: germline. Observed: 1 variant allele.
Comment: p.Ser415Ser in exon 4 of SOX10: This variant is not expected to have clinical si gnificance because it does not alter an amino acid residue and is not located wi thin the splice consensus sequence. It has been identified in 0.01% (5/66018) of European chromosomes by the Exome Aggregation Consortium (ExAC; dbSNP rs200970285).

NM_006941.4(SOX10):c.1245G>A (p.Ser415=)

Genes: POLR2F (RNA polymerase II, I and III subunit F; plus strand), SOX10 (SRY-box transcription factor 10; minus strand). Cytogenetic location: 22q13.1.
Variant type: single nucleotide variant.
Coding change: c.1245G>A on transcript NM_006941.4 (MANE Select); coding-DNA position 1245, G replaced by A.
Protein change: p.Ser415=; no amino-acid change (serine 415 retained).
Molecular consequence: synonymous variant. On other transcripts: intron variant (3).
Genome position (GRCh38, 1-based): chr22:37,973,651, C>T on the plus strand (G>A on the coding strand, the complement: SOX10 is on the minus strand). VCF-style: chr22-37973651-C-T. GRCh37 (hg19) VCF-style: chr22-38369658-C-T.
Other names: c.*38+1341C>T (NM_001363825.1); c.293+6481C>T (NM_001301130.2, NM_001301131.2).
Identifiers: ClinVar variation 666758 (VCV000666758.43), dbSNP rs200970285, ClinGen allele CA10228507.